The following is an entry in ClinVar:

NM_000540.3(RYR1):c.14731G>A (p.Glu4911Lys)

Gene: RYR1 (ryanodine receptor 1; plus strand). Cytogenetic location: 19q13.2.
Variant type: single nucleotide variant.
Coding change: c.14731G>A on transcript NM_000540.3 (MANE Select); coding-DNA position 14731, G replaced by A.
Protein change: p.Glu4911Lys; replaces glutamic acid 4911 with lysine.
Molecular consequence: missense variant.
Genome position (GRCh38, 1-based): chr19:38,585,027, G>A. VCF-style: chr19-38585027-G-A. GRCh37 (hg19) VCF-style: chr19-39075667-G-A.
Other names: c.14731G>A (NM_000540.2); c.14716G>A, p.Glu4906Lys (NM_001042723.2); short protein forms E4911K, E4906K.
Identifiers: ClinVar variation 289526 (VCV000289526.17), dbSNP rs886044196, ClinGen allele CA10606470.

ClinVar aggregate classification (germline): Conflicting classifications of pathogenicity. Review status: criteria provided, conflicting classifications (1 of 4 stars). 7 submissions from 7 submitters: Pathogenic (1); Likely pathogenic (2); Uncertain significance (2). 2 of the submissions do not count toward it. Last evaluated 2026-06-11.

Conditions:
RYR1-related disorder. Also called: RYR1-related condition; RYR1-related disorders. Identifiers: MedGen CN239331.
Malignant hyperthermia, susceptibility to, 1 (MHS1). Also called: Anesthesia related hyperthermia; Malignant hyperpyrexia; Fulminating hyperpyrexia; Pharmacogenic myopathy; RYR1-Related Malignant Hyperthermia Susceptibility; Malignant hyperthermia suceptibility 1. Identifiers: Orphanet 423, MedGen C2930980, MONDO:0007783, OMIM 145600.

Allele frequency attached by ClinVar (database versions not stated): gnomAD exomes below 0.00001.
gnomAD v4.1: 1 of 1,614,028 alleles (0.000062%); highest among the groups gnomAD compares: Non-Finnish European, 0.000085%; no homozygotes.

Submissions (7):

GeneDx
Classification: Likely pathogenic. Last evaluated: 2026-06-11. Review status: criteria provided, single submitter. Criteria: GeneDx Variant Classification Process June 2021. Collection method: clinical testing. Allele origin: germline.
Comment: Reported as a single heterozygous variant or with other RYR1 variants in patients with some features of RYR1-related myopathy (PMID: 30611313, 32236737, 30155738); Reported in a patient with mild proximal weakness, myalgia, and a malignant hyperthermia-like episode, however confirmatory IVCT testing was not reported (PMID: 38318125); Observed as a single heterozygous variant in a patient reported to have malignant hyperthermia sensitivity, but no further clinical details were provided (PMID: 41675683); Not observed at significant frequency in large population cohorts (gnomAD); In silico analysis supports that this missense variant has a deleterious effect on protein structure/function; This variant is associated with the following publications: (PMID: 30611313, 21062345, 33646171, 30155738, 38318125, 32236737, 20681998, 33767344, 41675683)

Labcorp Genetics (formerly Invitae), Labcorp
Classification: Pathogenic for RYR1-related disorder. Last evaluated: 2025-12-03. Review status: criteria provided, single submitter. Criteria: Invitae Variant Classification Sherloc (09022015). Collection method: clinical testing. Allele origin: germline.
Comment: This sequence change replaces glutamic acid, which is acidic and polar, with lysine, which is basic and polar, at codon 4911 of the RYR1 protein (p.Glu4911Lys). This variant is present in population databases (no rsID available, gnomAD 0.006%). This missense change has been observed in individuals with autosomal recessive RYR1-related conditions (PMID: 30611313). This variant has been reported in individual(s) with clinical features of autosomal dominant central core disease (PMID: 32236737); however, the role of the variant in this condition is currently unclear. ClinVar contains an entry for this variant (Variation ID: 289526). Invitae Evidence Modeling of protein sequence and biophysical properties (such as structural, functional, and spatial information, amino acid conservation, physicochemical variation, residue mobility, and thermodynamic stability) indicates that this missense variant is expected to disrupt RYR1 protein function with a positive predictive value of 80%. For these reasons, this variant has been classified as Pathogenic.

All of Us Research Program, National Institutes of Health
Classification: Uncertain significance for Malignant hyperthermia, susceptibility to, 1. Last evaluated: 2023-03-09. Review status: criteria provided, single submitter. Criteria: ACMG Guidelines, 2015. Collection method: clinical testing. Allele origin: germline. Inheritance: Autosomal dominant inheritance. Observed: 1 variant allele, 1 heterozygote.
Comment: This missense variant replaces glutamic acid with lysine at codon 4911 of the RYR1 protein. Computational prediction suggests that this variant may have deleterious impact on protein structure and function (internally defined REVEL score threshold >= 0.7, PMID: 27666373). To our knowledge, functional studies have not been reported for this variant. This variant has not been reported in individuals affected with autosomal dominant malignant hyperthermia in the literature, although it is associated with other phenotype(s) (ClinVar Variation ID: 289526). This variant has been identified in 1/251222 chromosomes in the general population by the Genome Aggregation Database (gnomAD). Due to insufficient evidence, this variant is classified as a Variant of Uncertain Significance for autosomal dominant malignant hyperthermia.

This study involves interpretation of variants in research participants for the purpose of population health screening. Participant phenotype was not available at the time of variant classification. Additional details can be found in publication PMID: 35346344, PMCID: PMC8962531

Blueprint Genetics
Classification: Likely pathogenic for RYR1-related disorders. Last evaluated: 2019-03-05. Review status: criteria provided, single submitter. Criteria: ACMG Guidelines, 2015. Collection method: clinical testing. Allele origin: germline. Affected: yes. Observed: 2 variant alleles.

Eurofins Ntd Llc (ga)
Classification: Uncertain significance. Last evaluated: 2016-07-15. Review status: criteria provided, single submitter. Criteria: EGL Classification Definitions 2015. Collection method: clinical testing. Allele origin: germline.

Genome Diagnostics Laboratory, University Medical Center Utrecht
Classification: Likely pathogenic. Review status: no assertion criteria provided. Collection method: clinical testing. Allele origin: germline. Affected: yes. Study: VKGL Data-share Consensus. Not counted in ClinVar's aggregate classification.

Joint Genome Diagnostic Labs from Nijmegen and Maastricht, Radboudumc and MUMC+
Classification: Likely pathogenic. Review status: no assertion criteria provided. Collection method: clinical testing. Allele origin: germline. Affected: yes. Study: VKGL Data-share Consensus. Not counted in ClinVar's aggregate classification.

Literature cited by the submitters: PubMed 30611313 (cited by Labcorp Genetics (formerly Invitae), Labcorp); PubMed 32236737 (cited by Labcorp Genetics (formerly Invitae), Labcorp).